The following is an entry in ClinVar:

ClinVar aggregate classification (germline): Uncertain significance (1 of 4 stars; one submission).

Conditions:
Retinoblastoma (RB1). Also called: RETINOBLASTOMA, SOMATIC. Identifiers: Orphanet 790, MedGen C0035335, MeSH D012175, MONDO:0008380, OMIM 180200, HP:0009919. Disease mechanism: loss of function. Inheritance: Both sporadic and heritable forms are tested..

Submission:

Labcorp Genetics (formerly Invitae), Labcorp
Classification: Uncertain significance for Retinoblastoma. Last evaluated: 2024-11-19. Review status: criteria provided, single submitter. Criteria: Invitae Variant Classification Sherloc (09022015). Collection method: clinical testing. Allele origin: germline.
Comment: This sequence change replaces tryptophan, which is neutral and slightly polar, with serine, which is neutral and polar, at codon 195 of the RB1 protein (p.Trp195Ser). This variant is not present in population databases (gnomAD no frequency). This variant has not been reported in the literature in individuals affected with RB1-related conditions. Invitae Evidence Modeling of protein sequence and biophysical properties (such as structural, functional, and spatial information, amino acid conservation, physicochemical variation, residue mobility, and thermodynamic stability) indicates that this missense variant is expected to disrupt RB1 protein function with a positive predictive value of 80%. In summary, the available evidence is currently insufficient to determine the role of this variant in disease. Therefore, it has been classified as a Variant of Uncertain Significance.

NM_000321.3(RB1):c.584G>C (p.Trp195Ser)

Gene: RB1 (RB transcriptional corepressor 1; plus strand). Cytogenetic location: 13q14.2.
Variant type: single nucleotide variant.
Coding change: c.584G>C on transcript NM_000321.3 (MANE Select); coding-DNA position 584, G replaced by C.
Protein change: p.Trp195Ser; replaces tryptophan 195 with serine.
Molecular consequence: missense variant.
Genome position (GRCh38, 1-based): chr13:48,349,000, G>C. VCF-style: chr13-48349000-G-C. GRCh37 (hg19) VCF-style: chr13-48923136-G-C.
Other names: c.584G>C, p.Trp195Ser (NM_001407165.1, NM_001407166.1); short protein forms W195S.
Identifiers: ClinVar variation 3714571 (VCV003714571.2).